The following is an entry in ClinVar:

ClinVar aggregate classification (germline): Uncertain significance (1 of 4 stars; one submission).

Submission:

GeneDx
Classification: Uncertain significance. Last evaluated: 2026-03-09. Review status: criteria provided, single submitter. Criteria: GeneDx Variant Classification Process June 2021. Collection method: clinical testing. Allele origin: germline.
Comment: Not observed at significant frequency in large population cohorts (gnomAD); In silico analysis supports that this missense variant has a deleterious effect on protein structure/function; Has not been previously published as pathogenic or benign to our knowledge

NM_006421.5(ARFGEF1):c.17A>T (p.Lys6Met)

Gene: ARFGEF1 (ARF guanine nucleotide exchange factor 1; minus strand). Cytogenetic location: 8q13.2.
Variant type: single nucleotide variant.
Coding change: c.17A>T on transcript NM_006421.5 (MANE Select); coding-DNA position 17, A replaced by T.
Protein change: p.Lys6Met; replaces lysine 6 with methionine.
Molecular consequence: missense variant. On other transcripts: 5 prime UTR variant (4), non-coding transcript variant (1).
Genome position (GRCh38, 1-based): chr8:67,343,271, T>A on the plus strand (A>T on the coding strand, the complement: ARFGEF1 is on the minus strand). VCF-style: chr8-67343271-T-A. GRCh37 (hg19) VCF-style: chr8-68255506-T-A.
Other names: c.17A>T, p.Lys6Met (NM_001413184.1, NM_001413185.1, NM_001413186.1 and 7 more transcripts); c.-574A>T (NM_001413188.1); c.-620A>T (NM_001413193.1); c.-1099A>T (NM_001413196.1); c.-553A>T (NM_001413197.1); short protein forms K6M.
Identifiers: ClinVar variation 5008859 (VCV005008859.1).